The following is an entry in ClinVar:

ClinVar aggregate classification (germline): Uncertain significance (1 of 4 stars; one submission).

Allele frequency attached by ClinVar (database versions not stated): gnomAD exomes below 0.00001 and 0.00001; TOPMed 0.00001.

Submission:

Labcorp Genetics (formerly Invitae), Labcorp
Classification: Uncertain significance. Last evaluated: 2021-02-04. Review status: criteria provided, single submitter. Criteria: Invitae Variant Classification Sherloc (09022015). Collection method: clinical testing. Allele origin: germline.
Comment: Algorithms developed to predict the effect of missense changes on protein structure and function are either unavailable or do not agree on the potential impact of this missense change (SIFT: "Deleterious"; PolyPhen-2: "Probably Damaging"; Align-GVGD: "Class C0"). This variant has not been reported in the literature in individuals with DTHD1-related conditions. This variant is not present in population databases (ExAC no frequency). This sequence change replaces leucine with proline at codon 103 of the DTHD1 protein (p.Leu103Pro). The leucine residue is highly conserved and there is a moderate physicochemical difference between leucine and proline. In summary, the available evidence is currently insufficient to determine the role of this variant in disease. Therefore, it has been classified as a Variant of Uncertain Significance.

NM_001170700.3(DTHD1):c.1178T>C (p.Leu393Pro)

Gene: DTHD1 (death domain containing 1; plus strand). Cytogenetic location: 4p14.
Variant type: single nucleotide variant.
Coding change: c.1178T>C on transcript NM_001170700.3 (MANE Select); coding-DNA position 1178, T replaced by C.
Protein change: p.Leu393Pro; replaces leucine 393 with proline.
Molecular consequence: missense variant. On other transcripts: non-coding transcript variant (2).
Genome position (GRCh38, 1-based): chr4:36,290,663, T>C. VCF-style: chr4-36290663-T-C. GRCh37 (hg19) VCF-style: chr4-36292285-T-C.
Other names: c.308T>C, p.Leu103Pro (NM_001136536.5, NM_001378435.1); short protein forms L393P, L103P.
Identifiers: ClinVar variation 945645 (VCV000945645.9), dbSNP rs879092621, ClinGen allele CA95767523.
Genomic context (GRCh38, chr4:36,290,663, plus strand): 5'-GAGGAAATTACAGAGATATCATGGTGAAAGTGTGTGACATAAACCTTCAATCAAGTTACC[T>C]AAACCCAAATTCACTAGAAGGAATGAAGGGAGGTTATAAGGTTAGTAAATTCTTGGCTAT-3'
Protein context (NP_001164171.2, residues 383-403): VCDINLQSSY[Leu393Pro]NPNSLEGMKG